The following is an entry in ClinVar:

NM_001130438.3(SPTAN1):c.7333T>C (p.Tyr2445His)

Gene: SPTAN1 (spectrin alpha, non-erythrocytic 1; plus strand). Cytogenetic location: 9q34.11.
Variant type: single nucleotide variant.
Coding change: c.7333T>C on transcript NM_001130438.3 (MANE Select); coding-DNA position 7333, T replaced by C.
Protein change: p.Tyr2445His; replaces tyrosine 2445 with histidine.
Molecular consequence: missense variant.
Genome position (GRCh38, 1-based): chr9:128,633,233, T>C. VCF-style: chr9-128633233-T-C. GRCh37 (hg19) VCF-style: chr9-131395512-T-C.
Other names: c.7258T>C, p.Tyr2420His (NM_001195532.2); c.7396T>C, p.Tyr2466His (NM_001363759.2); c.7273T>C, p.Tyr2425His (NM_001363765.2, NM_001375314.2); c.7420T>C, p.Tyr2474His (NM_001375310.1); c.7333T>C, p.Tyr2445His (NM_001375311.2); c.7369T>C, p.Tyr2457His (NM_001375312.2); c.7315T>C, p.Tyr2439His (NM_001375313.1); c.7432T>C, p.Tyr2478His (NM_001375318.1); and 1 more; short protein forms Y2439H, Y2457H, Y2478H, Y2420H, Y2440H, Y2466H, Y2425H, Y2445H.
Identifiers: ClinVar variation 3635930 (VCV003635930.2).

ClinVar aggregate classification (germline): Uncertain significance (1 of 4 stars; one submission).

Conditions:
Early-infantile DEE. Also called: Early infantile epileptic encephalopathy; Ohtahara syndrome; Early infantile epileptic encephalopathy with suppression bursts. Identifiers: Orphanet 1934, MedGen C0393706, MONDO:0800491.

gnomAD v4.1: 3 of 1,613,964 alleles (0.00019%); highest among the groups gnomAD compares: Non-Finnish European, 0.00025%; no homozygotes.

Submission:

Labcorp Genetics (formerly Invitae), Labcorp
Classification: Uncertain significance for Early-infantile DEE. Last evaluated: 2024-03-19. Review status: criteria provided, single submitter. Criteria: Invitae Variant Classification Sherloc (09022015). Collection method: clinical testing. Allele origin: germline.
Comment: This sequence change replaces tyrosine, which is neutral and polar, with histidine, which is basic and polar, at codon 2445 of the SPTAN1 protein (p.Tyr2445His). This variant is present in population databases (no rsID available, gnomAD 0.002%). This variant has not been reported in the literature in individuals affected with SPTAN1-related conditions. Advanced modeling of protein sequence and biophysical properties (such as structural, functional, and spatial information, amino acid conservation, physicochemical variation, residue mobility, and thermodynamic stability) has been performed at Invitae for this missense variant, however the output from this modeling did not meet the statistical confidence thresholds required to predict the impact of this variant on SPTAN1 protein function. In summary, the available evidence is currently insufficient to determine the role of this variant in disease. Therefore, it has been classified as a Variant of Uncertain Significance.